The following is an entry in ClinVar:

NC_000008.10:g.(?_134266772)_(134276905_?)del

Gene: NDRG1 (N-myc downstream regulated 1; minus strand). Cytogenetic location: 8q24.22.
Variant type: Deletion.
Identifiers: ClinVar variation 1040675 (VCV001040675.5).

ClinVar aggregate classification (germline): Uncertain significance (1 of 4 stars; one submission).

Conditions:
Charcot-Marie-Tooth disease type 4. Also called: Charcot-Marie-Tooth, Type 4; Charcot-Marie-Tooth disease, type IV. Identifiers: Orphanet 64749, MedGen C4082197, MONDO:0018995.

Submission:

Labcorp Genetics (formerly Invitae), Labcorp
Classification: Uncertain significance for Charcot-Marie-Tooth disease type 4. Last evaluated: 2023-08-24. Review status: criteria provided, single submitter. Criteria: Invitae Variant Classification Sherloc (09022015). Collection method: clinical testing. Allele origin: germline.
Comment: This variant is a gross deletion of the genomic region encompassing exon(s) 4-9 of the NDRG1 gene. This variant would be expected to be in-frame, preserving the integrity of the reading frame. This variant has not been reported in the literature in individuals affected with NDRG1-related conditions. Experimental studies and prediction algorithms are not available or were not evaluated, and the functional significance of this variant is currently unknown. In summary, the available evidence is currently insufficient to determine the role of this variant in disease. Therefore, it has been classified as a Variant of Uncertain Significance.